The following is an entry in ClinVar:

ClinVar aggregate classification (germline): Pathogenic (1 of 4 stars; one submission).

Submission:

Labcorp Genetics (formerly Invitae), Labcorp
Classification: Pathogenic. Last evaluated: 2023-11-08. Review status: criteria provided, single submitter. Criteria: Invitae Variant Classification Sherloc (09022015). Collection method: clinical testing. Allele origin: germline.
Comment: This sequence change creates a premature translational stop signal (p.Arg1855Profs*10) in the PCNT gene. It is expected to result in an absent or disrupted protein product. Loss-of-function variants in PCNT are known to be pathogenic (PMID: 18174396, 22821869). This variant is not present in population databases (gnomAD no frequency). This variant has not been reported in the literature in individuals affected with PCNT-related conditions. For these reasons, this variant has been classified as Pathogenic.

Literature cited by the submitters: PubMed 18174396; PubMed 22821869.

NM_006031.6(PCNT):c.5562_5563dup (p.Arg1855fs)

Gene: PCNT (pericentrin; plus strand). Cytogenetic location: 21q22.3.
Variant type: Duplication.
Coding change: c.5562_5563dup on transcript NM_006031.6 (MANE Select); coding-DNA positions 5562 to 5563, 2 bases duplicated (CC; older notation c.5562_5563dupCC).
Protein change: p.Arg1855fs; shifts the reading frame from arginine 1855.
Molecular consequence: frameshift variant.
Genome position (GRCh38, 1-based): chr21:46,411,635-46,411,636, CC duplicated; duplicating any 2 consecutive bases within chr21:46,411,634-46,411,636 gives the same sequence; the c. name uses the placement nearest the transcript's 3' end. VCF-style (leftmost placement, unchanged base first): chr21-46411633-T-TCC. GRCh37 (hg19) VCF-style: chr21-47831547-T-TCC.
Other names: c.5208_5209dup, p.Arg1737fs (NM_001315529.2); short protein forms R1737fs, R1855fs.
Identifiers: ClinVar variation 2746438 (VCV002746438.3), dbSNP rs2518771193, ClinGen allele CA2697547601.